The following is an entry in ClinVar:

ClinVar aggregate classification (germline): Uncertain significance (1 of 4 stars; one submission).

Conditions:
Emery-Dreifuss muscular dystrophy 4, autosomal dominant (EDMD4). Also called: EMERY-DREIFUSS MUSCULAR DYSTROPHY 4 WITH VARIABLE FEATURES. Identifiers: Orphanet 261, MedGen C2751807, MONDO:0013071, OMIM 612998.
Autosomal recessive ataxia, Beauce type. Also called: Spinocerebellar ataxia, autosomal recessive 8; ATAXIA, RECESSIVE, OF BEAUCE; SYNE1-Related Autosomal Recessive Cerebellar Ataxia; SYNE1 Deficiency. Identifiers: Orphanet 88644, MedGen C1853116, MONDO:0012549, OMIM 610743.

Submission:

Labcorp Genetics (formerly Invitae), Labcorp
Classification: Uncertain significance for Emery-Dreifuss muscular dystrophy 4, autosomal dominant; Autosomal recessive ataxia, Beauce type. Last evaluated: 2024-05-27. Review status: criteria provided, single submitter. Criteria: Invitae Variant Classification Sherloc (09022015). Collection method: clinical testing. Allele origin: germline.
Comment: This sequence change replaces proline, which is neutral and non-polar, with threonine, which is neutral and polar, at codon 307 of the SYNE1 protein (p.Pro307Thr). This variant is not present in population databases (gnomAD no frequency). This variant has not been reported in the literature in individuals affected with SYNE1-related conditions. An algorithm developed to predict the effect of missense changes on protein structure and function (PolyPhen-2) suggests that this variant is likely to be tolerated. Algorithms developed to predict the effect of sequence changes on RNA splicing suggest that this variant may disrupt the consensus splice site. In summary, the available evidence is currently insufficient to determine the role of this variant in disease. Therefore, it has been classified as a Variant of Uncertain Significance.

NM_182961.4(SYNE1):c.898C>A (p.Pro300Thr)

Gene: SYNE1 (spectrin repeat containing nuclear envelope protein 1; minus strand). Cytogenetic location: 6q25.2.
Variant type: single nucleotide variant.
Coding change: c.898C>A on transcript NM_182961.4 (MANE Select); coding-DNA position 898, C replaced by A.
Protein change: p.Pro300Thr; replaces proline 300 with threonine.
Molecular consequence: missense variant.
Genome position (GRCh38, 1-based): chr6:152,498,783, G>T on the plus strand (C>A on the coding strand, the complement: SYNE1 is on the minus strand). VCF-style: chr6-152498783-G-T. GRCh37 (hg19) VCF-style: chr6-152819918-G-T.
Other names: c.919C>A, p.Pro307Thr (NM_033071.5); short protein forms P300T, P307T.
Identifiers: ClinVar variation 3754618 (VCV003754618.2).